The following is an entry in ClinVar:

ClinVar aggregate classification (germline): Likely benign (0 of 4 stars; one submission).

Conditions:
VWA3B-related disorder. Also called: VWA3B-related condition.

Allele frequency attached by ClinVar (database versions not stated): gnomAD exomes 0.00011; 1000 Genomes Project 0.00020; ExAC 0.00022; 1000 Genomes Project 30x 0.00031; ESP Exome Variant Server 0.00050; gnomAD 0.00073; TOPMed 0.00090.
gnomAD v4.1: 285 of 1,613,754 alleles (0.018%); highest among the groups gnomAD compares: African/African-American, 0.23%; no homozygotes.

Submission:

PreventionGenetics, part of Exact Sciences
Classification: Likely benign for VWA3B-related condition. Last evaluated: 2022-06-06. Review status: no assertion criteria provided. Collection method: clinical testing. Allele origin: germline.
Comment: This variant is classified as likely benign based on ACMG/AMP sequence variant interpretation guidelines (Richards et al. 2015 PMID: 25741868, with internal and published modifications).

NM_144992.5(VWA3B):c.3038C>T (p.Pro1013Leu)

Gene: VWA3B (von Willebrand factor A domain containing 3B; plus strand). Cytogenetic location: 2q11.2.
Variant type: single nucleotide variant.
Coding change: c.3038C>T on transcript NM_144992.5 (MANE Select); coding-DNA position 3038, C replaced by T.
Protein change: p.Pro1013Leu; replaces proline 1013 with leucine.
Molecular consequence: missense variant. On other transcripts: non-coding transcript variant (1).
Genome position (GRCh38, 1-based): chr2:98,270,876, C>T. VCF-style: chr2-98270876-C-T. GRCh37 (hg19) VCF-style: chr2-98887339-C-T.
Other names: c.2009C>T, p.Pro670Leu (NM_001345864.2); short protein forms P1013L, P670L.
Identifiers: ClinVar variation 3052070 (VCV003052070.2), dbSNP rs201796667, ClinGen allele CA1793157.